The following is an entry in ClinVar:

NM_024700.4(SNIP1):c.127C>T (p.His43Tyr)

Gene: SNIP1 (Smad nuclear interacting protein 1; minus strand). Cytogenetic location: 1p34.3.
Variant type: single nucleotide variant.
Coding change: c.127C>T on transcript NM_024700.4 (MANE Select); coding-DNA position 127, C replaced by T.
Protein change: p.His43Tyr; replaces histidine 43 with tyrosine.
Molecular consequence: missense variant.
Genome position (GRCh38, 1-based): chr1:37,554,103, G>A on the plus strand (C>T on the coding strand, the complement: SNIP1 is on the minus strand). VCF-style: chr1-37554103-G-A. GRCh37 (hg19) VCF-style: chr1-38019704-G-A.
Other names: short protein forms H43Y.
Identifiers: ClinVar variation 3686058 (VCV003686058.2).

ClinVar aggregate classification (germline): Uncertain significance (1 of 4 stars; one submission).

gnomAD v4.1: 1 of 1,611,840 alleles (0.000062%); highest among the groups gnomAD compares: Non-Finnish European, 0.000085%; no homozygotes.

Submission:

Labcorp Genetics (formerly Invitae), Labcorp
Classification: Uncertain significance. Last evaluated: 2024-12-18. Review status: criteria provided, single submitter. Criteria: Invitae Variant Classification Sherloc (09022015). Collection method: clinical testing. Allele origin: germline.
Comment: This sequence change replaces histidine, which is basic and polar, with tyrosine, which is neutral and polar, at codon 43 of the SNIP1 protein (p.His43Tyr). This variant is not present in population databases (gnomAD no frequency). This variant has not been reported in the literature in individuals affected with SNIP1-related conditions. An algorithm developed to predict the effect of missense changes on protein structure and function (PolyPhen-2) suggests that this variant is likely to be tolerated. In summary, the available evidence is currently insufficient to determine the role of this variant in disease. Therefore, it has been classified as a Variant of Uncertain Significance.